The following is an entry in ClinVar:

NM_001267550.2(TTN):c.50119G>A (p.Asp16707Asn)

Genes: TTN (titin; minus strand), TTN-AS1 (TTN antisense RNA 1; plus strand). Cytogenetic location: 2q31.2.
Variant type: single nucleotide variant.
Coding change: c.50119G>A on transcript NM_001267550.2 (MANE Select); coding-DNA position 50119, G replaced by A.
Protein change: p.Asp16707Asn; replaces aspartic acid 16707 with asparagine.
Molecular consequence: missense variant.
Genome position (GRCh38, 1-based): chr2:178,612,406, C>T on the plus strand (G>A on the coding strand, the complement: TTN is on the minus strand). VCF-style: chr2-178612406-C-T. GRCh37 (hg19) VCF-style: chr2-179477133-C-T.
Other names: c.45196G>A, p.Asp15066Asn (NM_001256850.1); c.22924G>A, p.Asp7642Asn (NM_003319.4); c.42415G>A, p.Asp14139Asn (NM_133378.4); c.23299G>A, p.Asp7767Asn (NM_133432.3); c.23500G>A, p.Asp7834Asn (NM_133437.4); short protein forms D14139N, D16707N, D7767N, D7834N, D7642N, D15066N.
Identifiers: ClinVar variation 4958328 (VCV004958328.2).

ClinVar aggregate classification (germline): Uncertain significance. Review status: criteria provided, multiple submitters, no conflicts (2 of 4 stars). 2 submissions from 2 submitters: Uncertain significance (2). Last evaluated 2026-07-06.

Conditions:
TTN-related disorder. Also called: TTN-related disorders; TTN-related condition; TTN-related disease.

gnomAD v4.1: 7 of 1,612,388 alleles (0.00043%); highest among the groups gnomAD compares: East Asian, 0.009%; no homozygotes.

Submissions (2):

PreventionGenetics, part of Exact Sciences
Classification: Uncertain significance for TTN-related condition. Last evaluated: 2026-07-06. Review status: criteria provided, single submitter. Criteria: ACMG Guidelines, 2015. Collection method: clinical testing. Allele origin: germline.
Comment: The TTN c.50119G>A variant is predicted to result in the amino acid substitution p.Asp16707Asn. To our knowledge, this variant has not been reported in the literature. This variant is reported in 0.066% of alleles in individuals of East Asian descent in gnomAD. Although we suspect that this variant may be benign, at this time, the clinical significance of this variant is uncertain due to the absence of conclusive functional and genetic evidence.

Blueprint Genetics
Classification: Uncertain significance. Last evaluated: 2019-08-27. Review status: criteria provided, single submitter. Criteria: ACMG Guidelines, 2015. Collection method: clinical testing. Allele origin: germline.